The following is an entry in ClinVar:

ClinVar aggregate classification (germline): Pathogenic. Review status: criteria provided, single submitter (1 of 4 stars). 2 submissions from 2 submitters: Pathogenic (1). 1 of the submissions does not count toward it. Last evaluated 2024-11-14.

Conditions:
Chédiak-Higashi syndrome (CHS). Also called: Chediak-Higashi Syndrome. Identifiers: Orphanet 167, MedGen C0007965, MONDO:0008963, OMIM 214500.

Allele frequency attached by ClinVar (database versions not stated): TOPMed below 0.00001.
gnomAD v4.1: 4 of 1,611,254 alleles (0.00025%); highest among the groups gnomAD compares: Non-Finnish European, 0.00034%; no homozygotes.

Submissions (2):

Labcorp Genetics (formerly Invitae), Labcorp
Classification: Pathogenic for Chédiak-Higashi syndrome. Last evaluated: 2024-11-14. Review status: criteria provided, single submitter. Criteria: Invitae Variant Classification Sherloc (09022015). Collection method: clinical testing. Allele origin: germline.
Comment: This sequence change creates a premature translational stop signal (p.Arg1836*) in the LYST gene. It is expected to result in an absent or disrupted protein product. Loss-of-function variants in LYST are known to be pathogenic (PMID: 9215679, 11857544). The frequency data for this variant in the population databases is considered unreliable, as metrics indicate poor data quality at this position in the gnomAD database. This premature translational stop signal has been observed in individual(s) with Chediak-Higashi syndrome (PMID: 21878672). ClinVar contains an entry for this variant (Variation ID: 180625). Algorithms developed to predict the effect of sequence changes on RNA splicing suggest that this variant may disrupt the consensus splice site. For these reasons, this variant has been classified as Pathogenic.

GeneReviews
No classification provided. Condition: Chédiak-Higashi syndrome. Review status: no classification provided. Collection method: literature only. Allele origin: germline. Not counted in ClinVar's aggregate classification.

Literature cited by the submitters: PubMed 9215679 (cited by Labcorp Genetics (formerly Invitae), Labcorp); PubMed 11857544 (cited by Labcorp Genetics (formerly Invitae), Labcorp); PubMed 21878672 (cited by Labcorp Genetics (formerly Invitae), Labcorp).

NM_000081.4(LYST):c.5506C>T (p.Arg1836Ter)

Gene: LYST (lysosomal trafficking regulator; minus strand). Cytogenetic location: 1q42.3.
Variant type: single nucleotide variant.
Coding change: c.5506C>T on transcript NM_000081.4 (MANE Select); coding-DNA position 5506, C replaced by T.
Protein change: p.Arg1836Ter; replaces arginine 1836 with a stop codon.
Molecular consequence: nonsense.
Genome position (GRCh38, 1-based): chr1:235,775,041, G>A on the plus strand (C>T on the coding strand, the complement: LYST is on the minus strand). VCF-style: chr1-235775041-G-A. GRCh37 (hg19) VCF-style: chr1-235938341-G-A.
Other names: c.5506C>T, p.Arg1836Ter (NM_001301365.1); short protein forms R1836*.
Identifiers: ClinVar variation 180625 (VCV000180625.7), dbSNP rs757222354, ClinGen allele CA347096.
Genomic context (GRCh38, chr1:235,775,041, plus strand): 5'-TACAATTTTCTAATTCATGTACTCTTTGTTGGTTGTATTTAATTAATGAGAGTATAACTC[G>A]CAGTGCTAATGCTTGAGTTTCTTCACAGCTACTGAGTTCAACAACCTAAAAAAAAAAATG-3'